The following is an entry in ClinVar:

NM_006218.4(PIK3CA):c.995G>C (p.Ser332Thr)

Gene: PIK3CA (phosphatidylinositol-4,5-bisphosphate 3-kinase catalytic subunit alpha; plus strand). Cytogenetic location: 3q26.32.
Variant type: single nucleotide variant.
Coding change: c.995G>C on transcript NM_006218.4 (MANE Select); coding-DNA position 995, G replaced by C.
Protein change: p.Ser332Thr; replaces serine 332 with threonine.
Molecular consequence: missense variant.
Genome position (GRCh38, 1-based): chr3:179,203,725, G>C. VCF-style: chr3-179203725-G-C. GRCh37 (hg19) VCF-style: chr3-178921513-G-C.
Other names: short protein forms S332T.
Identifiers: ClinVar variation 1768731 (VCV001768731.2), dbSNP rs1262394031, ClinGen allele CA355281158.
Genomic context (GRCh38, chr3:179,203,725, plus strand): 5'-CCACAGCTACACCATATATGAATGGAGAAACATCTACAAAATCCCTTTGGGTTATAAATA[G>C]TGCACTCAGAATAAAAATTCTTTGTGCAACCTACGTGAATGTAAATATTCGAGACATTGA-3'
Protein context (NP_006209.2, residues 322-342): TSTKSLWVIN[Ser332Thr]ALRIKILCAT

ClinVar aggregate classification (germline): Uncertain significance (1 of 4 stars; one submission).

Conditions:
Inborn genetic diseases. Identifiers: MedGen C0950123, MeSH D030342.

Submission:

Ambry Genetics
Classification: Uncertain significance for Inborn genetic diseases. Last evaluated: 2022-09-21. Review status: criteria provided, single submitter. Criteria: Ambry Variant Classification Scheme 2023. Collection method: clinical testing. Allele origin: germline.
Comment: The p.S332T variant (also known as c.995G>C), located in coding exon 4 of the PIK3CA gene, results from a G to C substitution at nucleotide position 995. The serine at codon 332 is replaced by threonine, an amino acid with similar properties. This amino acid position is conserved. In addition, this alteration is predicted to be tolerated by in silico analysis. Since supporting evidence is limited at this time, the clinical significance of this alteration remains unclear.